The following is an entry in ClinVar:

ClinVar aggregate classification (germline): Likely benign. Review status: reviewed by expert panel (3 of 4 stars). 2 submissions from 2 submitters: Likely benign (1). 1 of the submissions does not count toward it. Last evaluated 2025-01-07.

Conditions:
Autosomal recessive limb-girdle muscular dystrophy. Identifiers: Orphanet 102015, MedGen C2931907, MONDO:0015152.
Sarcoglycanopathy. Identifiers: Orphanet 207052, MedGen C2936331, MONDO:0016140.

Allele frequency attached by ClinVar (database versions not stated): gnomAD exomes 0.00001; TOPMed 0.00004.
gnomAD v4.1: 12 of 438,798 alleles (0.0027%); highest among the groups gnomAD compares: African/African-American, 0.012%; no homozygotes.

Submissions (2):

ClinGen Limb Girdle Muscular Dystrophy Variant Curation Expert Panel, ClinGen
Classification: Likely benign for Autosomal recessive limb-girdle muscular dystrophy. Last evaluated: 2025-01-07. Review status: reviewed by expert panel. Criteria: ClinGen LGMD VCEP ACMG Specifications SGCA V1.0.0. Collection method: curation. Allele origin: germline. Inheritance: Autosomal recessive inheritance.
Comment: The NM_000023.4: c.*227G>A variant is located in the 3’UTR of SGCA. Because the variant is located in the 3’UTR, it is not expected to alter the amino acid sequence. The highest population minor allele frequency in gnomAD v4.1.0 is 0.0001447 (6/41458 genome chromosomes) in the African/African American population, which is greater than the ClinGen LGMD VCEP threshold (<0.00009) for PM2_Supporting (criterion not met). The computational splicing predictor SpliceAI gives a score of 0.00 for donor and acceptor loss, suggesting the variant has no impact on splicing (threshold for no impact: ≤0.05) (BP4, BP7). In summary, this variant meets the criteria to be classified as Likely Benign for autosomal recessive limb girdle muscular dystrophy based on the ACMG/AMP criteria applied, as specified by the ClinGen LGMD VCEP (LGMD VCEP specifications version 1.0.0; 01/07/2025): BP4, BP7.

Illumina Laboratory Services, Illumina
Classification: Uncertain significance for Sarcoglycanopathy. Last evaluated: 2018-01-13. Review status: criteria provided, single submitter. Criteria: ICSL Variant Classification Criteria 13 December 2019. Collection method: clinical testing. Allele origin: germline. Not counted in ClinVar's aggregate classification.

NM_000023.4(SGCA):c.*227G>A

Genes: SGCA (sarcoglycan alpha; plus strand), LOC121587601 (Sharpr-MPRA regulatory region 9980; plus strand). Cytogenetic location: 17q21.33.
Variant type: single nucleotide variant.
Coding change: c.*227G>A on transcript NM_000023.4 (MANE Select); 227 bases downstream of the stop codon, G replaced by A.
Molecular consequence: 3 prime UTR variant. On other transcripts: non-coding transcript variant (1).
Genome position (GRCh38, 1-based): chr17:50,175,926, G>A. VCF-style: chr17-50175926-G-A. GRCh37 (hg19) VCF-style: chr17-48253287-G-A.
Other names: c.*227G>A (NM_001135697.3).
Identifiers: ClinVar variation 324052 (VCV000324052.6), dbSNP rs886053138, ClinGen allele CA10650515.